The following is an entry in ClinVar:

ClinVar aggregate classification (germline): Uncertain significance (0 of 4 stars; one submission).

Conditions:
JMJD1C-related disorder. Also called: JMJD1C-related condition.

gnomAD v4.1: 3 of 1,610,118 alleles (0.00019%); highest among the groups gnomAD compares: East Asian, 0.0067%; no homozygotes.

Submission:

PreventionGenetics, part of Exact Sciences
Classification: Uncertain significance for JMJD1C-related condition. Last evaluated: 2024-05-31. Review status: no assertion criteria provided. Collection method: clinical testing. Allele origin: germline.
Comment: The JMJD1C c.55G>A variant is predicted to result in the amino acid substitution p.Val19Ile. To our knowledge, this variant has not been reported in the literature. This variant is reported in 0.0056% of alleles in individuals of East Asian descent in gnomAD. At this time, the clinical significance of this variant is uncertain due to the absence of conclusive functional and genetic evidence.

NM_032776.3(JMJD1C):c.55G>A (p.Val19Ile)

Genes: JMJD1C (jumonji domain containing 1C; minus strand), JMJD1C-AS1 (JMJD1C antisense RNA 1; plus strand). Cytogenetic location: 10q21.3.
Variant type: single nucleotide variant.
Coding change: c.55G>A on transcript NM_032776.3 (MANE Select); coding-DNA position 55, G replaced by A.
Protein change: p.Val19Ile; replaces valine 19 with isoleucine.
Molecular consequence: missense variant. On other transcripts: non-coding transcript variant (1), intron variant (2).
Genome position (GRCh38, 1-based): chr10:63,465,608, C>T on the plus strand (G>A on the coding strand, the complement: JMJD1C is on the minus strand). VCF-style: chr10-63465608-C-T. GRCh37 (hg19) VCF-style: chr10-65225368-C-T.
Other names: c.55G>A, p.Val19Ile (NM_001322252.2); c.-384+56130G>A (NM_001322258.2); c.-379+56130G>A (NM_001318154.2); short protein forms V19I.
Identifiers: ClinVar variation 3349871 (VCV003349871.1).
Genomic context (GRCh38, chr10:63,465,608, plus strand): 5'-CTCGCCAGCTTCGCCAGCCGCGTCCGCTCTCCCAGCGCTCCGAACGTGCCTCGTCGCCGA[C>T]CGCCACACACAGGAACCGCTTACCCACCAGCTCTGCCCGCGTCTCTACCGCCATAGCTGT-3'
Protein context (NP_116165.1, residues 9-29): LVGKRFLCVA[Val19Ile]GDEARSERWE